The following is an entry in ClinVar:

NC_000012.11:g.(95365397_95387945)_(95397474_?)dup

Gene: NDUFA12 (NADH:ubiquinone oxidoreductase subunit A12; minus strand). Cytogenetic location: 12q22.
Variant type: Duplication.
Identifiers: ClinVar variation 3063933 (VCV003063933.1).

ClinVar aggregate classification (germline): Uncertain significance (1 of 4 stars; one submission).

Submission:

Women's Health and Genetics/Laboratory Corporation of America, LabCorp
Classification: Uncertain significance. Last evaluated: 2024-01-15. Review status: criteria provided, single submitter. Criteria: LabCorp Variant Classification Summary - May 2015. Collection method: clinical testing. Allele origin: germline.
Comment: Variant summary: The variant involves the duplication of exons 1-3 in the NDUFA12 gene. A presumed nomenclature of c.(?_-18)_(257+1_258-1)dup has been designated for the purposes of this classification. The exact breakpoint at the 5' end of this variant is unknown, therefore this duplication may extend upstream of the annotated region of this gene. It is predicted to duplicate a segment including the initiation codon, therefore its impact on the encoded protein is unknown. The variant was absent in 21692 control chromosomes (gnomAD Structural Variants dataset). The available data on variant occurrences in the general population are insufficient to allow any conclusion about variant significance. To our knowledge, no occurrence of c.(?_-18)_(257+1_258-1)dup in individuals affected with Mitochondrial Complex 1 Deficiency, Nuclear Type 23 and no experimental evidence demonstrating its impact on protein function have been reported. No submitters have reported clinical-significance assessments for this variant to ClinVar. Based on the evidence outlined above, the variant was classified as uncertain significance.